The following is an entry in ClinVar:

ClinVar aggregate classification (germline): Uncertain significance. Review status: criteria provided, multiple submitters, no conflicts (2 of 4 stars). 2 submissions from 2 submitters: Uncertain significance (2). Last evaluated 2025-06-23.

Conditions:
TTC21B-related disorder. Also called: TTC21B-related disorders; TTC21B-related condition.
Nephronophthisis. Also called: Juvenile Nephronophthisis. Identifiers: Orphanet 655, MedGen C0687120, MONDO:0019005, HP:0000090.
Jeune thoracic dystrophy. Also called: Jeune syndrome; Infantile thoracic dystrophy; Thoracic pelvic phalangeal dystrophy; Jeune's syndrome; Chondroectodermal dysplasia-like syndrome; Short-rib thoracic dysplasia. Identifiers: Orphanet 474, MedGen C0265275, MONDO:0018770.

Allele frequency attached by ClinVar (database versions not stated): gnomAD 0.00002; gnomAD exomes 0.00002 and 0.00004; ExAC 0.00004; TOPMed 0.00004.
gnomAD v4.1: 63 of 1,613,084 alleles (0.0039%); highest among the groups gnomAD compares: Non-Finnish European, 0.0049%; no homozygotes.

Submissions (2):

PreventionGenetics, part of Exact Sciences
Classification: Uncertain significance for TTC21B-related condition. Last evaluated: 2025-06-23. Review status: criteria provided, single submitter. Criteria: ACMG Guidelines, 2015. Collection method: clinical testing. Allele origin: germline.
Comment: The TTC21B c.152G>A variant is predicted to result in the amino acid substitution p.Gly51Asp. To our knowledge, this variant has not been reported in the literature. This variant is reported in 0.0053% of alleles in individuals of European (Non-Finnish) descent in gnomAD. At this time, the clinical significance of this variant is uncertain due to the absence of conclusive functional and genetic evidence.

Labcorp Genetics (formerly Invitae), Labcorp
Classification: Uncertain significance for Jeune thoracic dystrophy; Nephronophthisis. Last evaluated: 2022-06-27. Review status: criteria provided, single submitter. Criteria: Invitae Variant Classification Sherloc (09022015). Collection method: clinical testing. Allele origin: germline.
Comment: In summary, the available evidence is currently insufficient to determine the role of this variant in disease. Therefore, it has been classified as a Variant of Uncertain Significance. Algorithms developed to predict the effect of missense changes on protein structure and function (SIFT, PolyPhen-2, Align-GVGD) all suggest that this variant is likely to be tolerated. ClinVar contains an entry for this variant (Variation ID: 998402). This variant has not been reported in the literature in individuals affected with TTC21B-related conditions. This variant is present in population databases (rs768073526, gnomAD 0.005%). This sequence change replaces glycine, which is neutral and non-polar, with aspartic acid, which is acidic and polar, at codon 51 of the TTC21B protein (p.Gly51Asp).

NM_024753.5(TTC21B):c.152G>A (p.Gly51Asp)

Gene: TTC21B (tetratricopeptide repeat domain 21B; minus strand). Cytogenetic location: 2q24.3.
Variant type: single nucleotide variant.
Coding change: c.152G>A on transcript NM_024753.5 (MANE Select); coding-DNA position 152, G replaced by A.
Protein change: p.Gly51Asp; replaces glycine 51 with aspartic acid.
Molecular consequence: missense variant.
Genome position (GRCh38, 1-based): chr2:165,949,504, C>T on the plus strand (G>A on the coding strand, the complement: TTC21B is on the minus strand). VCF-style: chr2-165949504-C-T. GRCh37 (hg19) VCF-style: chr2-166806014-C-T.
Other names: c.152G>A (NM_024753.4); short protein forms G51D.
Identifiers: ClinVar variation 998402 (VCV000998402.10), dbSNP rs768073526, ClinGen allele CA1942531.